The following is an entry in ClinVar:

ClinVar aggregate classification (germline): Uncertain significance. Review status: criteria provided, multiple submitters, no conflicts (2 of 4 stars). 2 submissions from 2 submitters: Uncertain significance (2). Last evaluated 2024-10-19.

Conditions:
Inborn genetic diseases. Identifiers: MedGen C0950123, MeSH D030342.

Allele frequency attached by ClinVar (database versions not stated): TOPMed 0.00006.
gnomAD v4.1: 70 of 1,612,798 alleles (0.0043%); highest among the groups gnomAD compares: African/African-American, 0.013%; no homozygotes.

Submissions (2):

Ambry Genetics
Classification: Uncertain significance for Inborn genetic diseases. Last evaluated: 2024-10-19. Review status: criteria provided, single submitter. Criteria: Ambry Variant Classification Scheme 2023. Collection method: clinical testing. Allele origin: germline.

Labcorp Genetics (formerly Invitae), Labcorp
Classification: Uncertain significance. Last evaluated: 2024-01-10. Review status: criteria provided, single submitter. Criteria: Invitae Variant Classification Sherloc (09022015). Collection method: clinical testing. Allele origin: germline.
Comment: This sequence change replaces alanine, which is neutral and non-polar, with valine, which is neutral and non-polar, at codon 3 of the NBAS protein (p.Ala3Val). This variant is present in population databases (rs202150793, gnomAD 0.01%). This variant has not been reported in the literature in individuals affected with NBAS-related conditions. ClinVar contains an entry for this variant (Variation ID: 1000219). Advanced modeling of protein sequence and biophysical properties (such as structural, functional, and spatial information, amino acid conservation, physicochemical variation, residue mobility, and thermodynamic stability) performed at Invitae indicates that this missense variant is not expected to disrupt NBAS protein function with a negative predictive value of 95%. In summary, the available evidence is currently insufficient to determine the role of this variant in disease. Therefore, it has been classified as a Variant of Uncertain Significance.

NM_015909.4(NBAS):c.8C>T (p.Ala3Val)

Genes: NBAS (NBAS subunit of NRZ tethering complex; minus strand), LOC129933155 (ATAC-STARR-seq lymphoblastoid active region 15346; plus strand). Cytogenetic location: 2p24.3.
Variant type: single nucleotide variant.
Coding change: c.8C>T on transcript NM_015909.4 (MANE Select); coding-DNA position 8, C replaced by T.
Protein change: p.Ala3Val; replaces alanine 3 with valine.
Molecular consequence: missense variant. On other transcripts: non-coding transcript variant (1).
Genome position (GRCh38, 1-based): chr2:15,561,297, G>A on the plus strand (C>T on the coding strand, the complement: NBAS is on the minus strand). VCF-style: chr2-15561297-G-A. GRCh37 (hg19) VCF-style: chr2-15701421-G-A.
Other names: c.8C>T (NM_015909.2); short protein forms A3V.
Identifiers: ClinVar variation 1000219 (VCV001000219.6), dbSNP rs202150793, ClinGen allele CA1537263.